The following is an entry in ClinVar:

NM_001365480.1(CCDC88A):c.165-3C>T

Gene: CCDC88A (coiled-coil and HOOK domain protein 88A; minus strand). Cytogenetic location: 2p16.1.
Variant type: single nucleotide variant.
Coding change: c.165-3C>T on transcript NM_001365480.1 (MANE Select); 3 bases into the intron before coding-DNA position 165, C replaced by T.
Molecular consequence: intron variant.
Genome position (GRCh38, 1-based): chr2:55,388,889, G>A on the plus strand (C>T on the coding strand, the complement: CCDC88A is on the minus strand). VCF-style: chr2-55388889-G-A. GRCh37 (hg19) VCF-style: chr2-55616025-G-A.
Other names: c.165-3C>T (NM_001254943.2, NM_001135597.2, NM_018084.5).
Identifiers: ClinVar variation 2019210 (VCV002019210.3), dbSNP rs2545051995, ClinGen allele CA2580067393.

ClinVar aggregate classification (germline): Uncertain significance (1 of 4 stars; one submission).

Allele frequency attached by ClinVar (database versions not stated): gnomAD exomes below 0.00001.
gnomAD v4.1: 1 of 1,107,444 alleles (0.00009%); highest among the groups gnomAD compares: Non-Finnish European, 0.00013%; no homozygotes.

Submission:

Labcorp Genetics (formerly Invitae), Labcorp
Classification: Uncertain significance. Last evaluated: 2024-09-27. Review status: criteria provided, single submitter. Criteria: Invitae Variant Classification Sherloc (09022015). Collection method: clinical testing. Allele origin: germline.
Comment: This sequence change falls in intron 2 of the CCDC88A gene. It does not directly change the encoded amino acid sequence of the CCDC88A protein. It affects a nucleotide within the consensus splice site. This variant is not present in population databases (gnomAD no frequency). This variant has not been reported in the literature in individuals affected with CCDC88A-related conditions. ClinVar contains an entry for this variant (Variation ID: 2019210). Variants that disrupt the consensus splice site are a relatively common cause of aberrant splicing (PMID: 17576681, 9536098). Algorithms developed to predict the effect of sequence changes on RNA splicing suggest that this variant is not likely to affect RNA splicing. In summary, the available evidence is currently insufficient to determine the role of this variant in disease. Therefore, it has been classified as a Variant of Uncertain Significance.

Literature cited by the submitters: PubMed 17576681; PubMed 9536098.